The following is an entry in ClinVar:

ClinVar aggregate classification (germline): Uncertain significance (1 of 4 stars; one submission).

Conditions:
Cardiovascular phenotype. Identifiers: MedGen CN230736.

Submission:

Ambry Genetics
Classification: Uncertain significance for Cardiovascular phenotype. Last evaluated: 2024-05-05. Review status: criteria provided, single submitter. Criteria: Ambry Variant Classification Scheme 2023. Collection method: clinical testing. Allele origin: germline.
Comment: The p.S1168C variant (also known as c.3503C>G), located in coding exon 19 of the SCN10A gene, results from a C to G substitution at nucleotide position 3503. The serine at codon 1168 is replaced by cysteine, an amino acid with dissimilar properties. This amino acid position is conserved. In addition, the in silico prediction for this alteration is inconclusive. Based on the available evidence, the clinical significance of this variant remains unclear.

NM_006514.4(SCN10A):c.3503C>G (p.Ser1168Cys)

Genes: SCN10A (sodium voltage-gated channel alpha subunit 10; minus strand), LOC110121288 (VISTA enhancer hs2268; plus strand). Cytogenetic location: 3p22.2.
Variant type: single nucleotide variant.
Coding change: c.3503C>G on transcript NM_006514.4 (MANE Select); coding-DNA position 3503, C replaced by G.
Protein change: p.Ser1168Cys; replaces serine 1168 with cysteine.
Molecular consequence: missense variant.
Genome position (GRCh38, 1-based): chr3:38,722,262, G>C on the plus strand (C>G on the coding strand, the complement: SCN10A is on the minus strand). VCF-style: chr3-38722262-G-C. GRCh37 (hg19) VCF-style: chr3-38763753-G-C.
Other names: c.3500C>G, p.Ser1167Cys (NM_001293306.2); c.3209C>G, p.Ser1070Cys (NM_001293307.2); short protein forms S1070C, S1168C, S1167C.
Identifiers: ClinVar variation 3316520 (VCV003316520.1).